The following is an entry in ClinVar:

ClinVar aggregate classification (germline): Uncertain significance. Review status: criteria provided, multiple submitters, no conflicts (2 of 4 stars). 2 submissions from 2 submitters: Uncertain significance (2). Last evaluated 2025-08-11.

Conditions:
Inborn genetic diseases. Identifiers: MedGen C0950123, MeSH D030342.

Allele frequency attached by ClinVar (database versions not stated): ExAC 0.00002; gnomAD 0.00002; gnomAD exomes 0.00002; TOPMed 0.00003.
gnomAD v4.1: 38 of 1,613,422 alleles (0.0024%); highest among the groups gnomAD compares: Non-Finnish European, 0.0031%; no homozygotes.

Submissions (2):

Ambry Genetics
Classification: Uncertain significance for Inborn genetic diseases. Last evaluated: 2025-08-11. Review status: criteria provided, single submitter. Criteria: Ambry Variant Classification Scheme 2023. Collection method: clinical testing. Allele origin: germline.

Labcorp Genetics (formerly Invitae), Labcorp
Classification: Uncertain significance. Last evaluated: 2021-08-20. Review status: criteria provided, single submitter. Criteria: Invitae Variant Classification Sherloc (09022015). Collection method: clinical testing. Allele origin: germline.
Comment: This sequence change replaces serine with cysteine at codon 1705 of the USH2A protein (p.Ser1705Cys). The serine residue is moderately conserved and there is a moderate physicochemical difference between serine and cysteine. This variant is present in population databases (rs762868170, ExAC 0.02%). This variant has not been reported in the literature in individuals affected with USH2A-related conditions. Algorithms developed to predict the effect of missense changes on protein structure and function are either unavailable or do not agree on the potential impact of this missense change (SIFT: "Deleterious"; PolyPhen-2: "Possibly Damaging"; Align-GVGD: "Class C0"). In summary, the available evidence is currently insufficient to determine the role of this variant in disease. Therefore, it has been classified as a Variant of Uncertain Significance.

NM_206933.4(USH2A):c.5113A>T (p.Ser1705Cys)

Genes: USH2A (usherin; minus strand), USH2A-AS2 (USH2A antisense RNA 2; plus strand). Cytogenetic location: 1q41.
Variant type: single nucleotide variant.
Coding change: c.5113A>T on transcript NM_206933.4 (MANE Select); coding-DNA position 5113, A replaced by T.
Protein change: p.Ser1705Cys; replaces serine 1705 with cysteine.
Molecular consequence: missense variant.
Genome position (GRCh38, 1-based): chr1:216,084,752, T>A on the plus strand (A>T on the coding strand, the complement: USH2A is on the minus strand). VCF-style: chr1-216084752-T-A. GRCh37 (hg19) VCF-style: chr1-216258094-T-A.
Other names: c.5113A>T (NM_206933.2); short protein forms S1705C.
Identifiers: ClinVar variation 2085284 (VCV002085284.2), dbSNP rs762868170, ClinGen allele CA1395536.